The following is an entry in ClinVar:

ClinVar aggregate classification (germline): Likely benign. Review status: criteria provided, multiple submitters, no conflicts (2 of 4 stars). 2 submissions from 2 submitters: Likely benign (2). Last evaluated 2026-05-26.

Conditions:
ANKS6-related disorder. Also called: ANKS6-related condition.
Nephronophthisis 16 (NPHP16). Identifiers: Orphanet 655, MedGen C3809320, MONDO:0014158, OMIM 615382.

Allele frequency attached by ClinVar (database versions not stated): gnomAD 0.00004; gnomAD exomes 0.00005 and 0.00007; ExAC 0.00006; TOPMed 0.00003; ESP Exome Variant Server 0.00023.
gnomAD v4.1: 104 of 1,606,960 alleles (0.0065%); highest among the groups gnomAD compares: Non-Finnish European, 0.0081%; no homozygotes.

Submissions (2):

PreventionGenetics, part of Exact Sciences
Classification: Likely benign for ANKS6-related condition. Last evaluated: 2026-05-26. Review status: criteria provided, single submitter. Criteria: ACMG Guidelines, 2015. Collection method: clinical testing. Allele origin: germline.
Comment: This variant is classified as likely benign based on ACMG/AMP sequence variant interpretation guidelines (Richards et al. 2015 PMID: 25741868, with internal and published modifications).

Labcorp Genetics (formerly Invitae), Labcorp
Classification: Likely benign for Nephronophthisis 16. Last evaluated: 2024-10-25. Review status: criteria provided, single submitter. Criteria: Invitae Variant Classification Sherloc (09022015). Collection method: clinical testing. Allele origin: germline.

NM_173551.5(ANKS6):c.1077T>C (p.His359=)

Gene: ANKS6 (ankyrin repeat and sterile alpha motif domain containing 6; minus strand). Cytogenetic location: 9q22.33.
Variant type: single nucleotide variant.
Coding change: c.1077T>C on transcript NM_173551.5 (MANE Select); coding-DNA position 1077, T replaced by C.
Protein change: p.His359=; no amino-acid change (histidine 359 retained).
Molecular consequence: synonymous variant.
Genome position (GRCh38, 1-based): chr9:98,783,988, A>G on the plus strand (T>C on the coding strand, the complement: ANKS6 is on the minus strand). VCF-style: chr9-98783988-A-G. GRCh37 (hg19) VCF-style: chr9-101546270-A-G.
Identifiers: ClinVar variation 474441 (VCV000474441.11), dbSNP rs369418562, ClinGen allele CA5153638.